The following is an entry in ClinVar:

ClinVar aggregate classification (germline): Uncertain significance (0 of 4 stars; one submission).

Conditions:
ALDH18A1-related disorder. Also called: ALDH18A1-related disorders.

Submission:

PreventionGenetics, part of Exact Sciences
Classification: Uncertain significance for ALDH18A1-related condition. Last evaluated: 2024-01-03. Review status: no assertion criteria provided. Collection method: clinical testing. Allele origin: germline.
Comment: The ALDH18A1 c.457A>T variant is predicted to result in the amino acid substitution p.Ile153Phe. To our knowledge, this variant has not been reported in the literature or in a large population database, indicating this variant is rare. At this time, the clinical significance of this variant is uncertain due to the absence of conclusive functional and genetic evidence.

NM_002860.4(ALDH18A1):c.457A>T (p.Ile153Phe)

Gene: ALDH18A1 (aldehyde dehydrogenase 18 family member A1; minus strand). Cytogenetic location: 10q24.1.
Variant type: single nucleotide variant.
Coding change: c.457A>T on transcript NM_002860.4 (MANE Select); coding-DNA position 457, A replaced by T.
Protein change: p.Ile153Phe; replaces isoleucine 153 with phenylalanine.
Molecular consequence: missense variant. On other transcripts: intron variant (2).
Genome position (GRCh38, 1-based): chr10:95,637,194, T>A on the plus strand (A>T on the coding strand, the complement: ALDH18A1 is on the minus strand). VCF-style: chr10-95637194-T-A. GRCh37 (hg19) VCF-style: chr10-97396951-T-A.
Other names: c.457A>T, p.Ile153Phe (NM_001017423.2, NM_001323413.2, NM_001323414.2 and 1 more transcripts); c.124A>T, p.Ile42Phe (NM_001323412.2, NM_001323416.2, NM_001323418.2); c.-78-3545A>T (NM_001323419.2); c.453+93A>T (NM_001323417.2); short protein forms I153F, I42F.
Identifiers: ClinVar variation 3033914 (VCV003033914.2), dbSNP rs2526898134, ClinGen allele CA377706565.